The following is an entry in ClinVar:

NM_004655.4(AXIN2):c.1214_1215dup (p.Gly406fs)

Gene: AXIN2 (axin 2; minus strand). Cytogenetic location: 17q24.1.
Variant type: Microsatellite.
Coding change: c.1214_1215dup on transcript NM_004655.4 (MANE Select); coding-DNA positions 1214 to 1215, 2 bases duplicated (AG; older notation c.1214_1215dupAG).
Protein change: p.Gly406fs; shifts the reading frame from glycine 406.
Molecular consequence: frameshift variant.
Genome position (GRCh38, 1-based): chr17:65,537,821-65,537,822, CT duplicated on the plus strand (AG on the coding strand, the reverse complement: AXIN2 is on the minus strand); duplicating any 2 consecutive bases within chr17:65,537,821-65,537,830 gives the same sequence; the c. name uses the placement nearest the transcript's 3' end. VCF-style (leftmost placement, unchanged base first): chr17-65537820-C-CCT. GRCh37 (hg19) VCF-style: chr17-63533938-C-CCT.
Other names: c.1214_1215dup, p.Gly406fs (NM_001363813.1); short protein forms G406fs.
Identifiers: ClinVar variation 840708 (VCV000840708.8), dbSNP rs771001164, ClinGen allele CA916081926.

ClinVar aggregate classification (germline): Pathogenic (1 of 4 stars; one submission).

Conditions:
Oligodontia-cancer predisposition syndrome. Also called: TOOTH AGENESIS-COLORECTAL CANCER SYNDROME. Identifiers: Orphanet 300576, MedGen C1837750, MONDO:0012075, OMIM 608615. Disease mechanism: loss of function.

Submission:

Labcorp Genetics (formerly Invitae), Labcorp
Classification: Pathogenic for Oligodontia-cancer predisposition syndrome. Last evaluated: 2019-12-22. Review status: criteria provided, single submitter. Criteria: Invitae Variant Classification Sherloc (09022015). Collection method: clinical testing. Allele origin: germline.
Comment: This sequence change creates a premature translational stop signal (p.Gly406Argfs*53) in the AXIN2 gene. It is expected to result in an absent or disrupted protein product. This variant is not present in population databases (ExAC no frequency). This variant has not been reported in the literature in individuals with AXIN2-related conditions. Loss-of-function variants in AXIN2 are known to be pathogenic (PMID: 15042511, 21416598). For these reasons, this variant has been classified as Pathogenic.

Literature cited by the submitters: PubMed 15042511; PubMed 21416598.